The following is an entry in ClinVar:

NM_182914.3(SYNE2):c.19857G>T (p.Leu6619=)

Gene: SYNE2 (spectrin repeat containing nuclear envelope protein 2; plus strand). Cytogenetic location: 14q23.2.
Variant type: single nucleotide variant.
Coding change: c.19857G>T on transcript NM_182914.3 (MANE Select); coding-DNA position 19857, G replaced by T.
Protein change: p.Leu6619=; no amino-acid change (leucine 6619 retained).
Molecular consequence: synonymous variant.
Genome position (GRCh38, 1-based): chr14:64,219,407, G>T. VCF-style: chr14-64219407-G-T. GRCh37 (hg19) VCF-style: chr14-64686125-G-T.
Other names: c.19788G>T, p.Leu6596= (NM_015180.6); c.381G>T, p.Leu127= (NM_182910.2); c.759G>T, p.Leu253= (NM_182913.4).
Identifiers: ClinVar variation 130490 (VCV000130490.22), dbSNP rs35648226, ClinGen allele CA155565.

ClinVar aggregate classification (germline): Benign. Review status: criteria provided, multiple submitters, no conflicts (2 of 4 stars). 6 submissions from 6 submitters: Benign (6). Last evaluated 2026-02-03.

Conditions:
Emery-Dreifuss muscular dystrophy 5, autosomal dominant (EDMD5). Also called: EMERY-DREIFUSS MUSCULAR DYSTROPHY 5. Identifiers: Orphanet 261, MedGen C2751805, MONDO:0013072, OMIM 612999.

Allele frequency attached by ClinVar (database versions not stated): 1000 Genomes Project 30x 0.20831; 1000 Genomes Project 0.20966; gnomAD exomes 0.23627 and 0.26728; TOPMed 0.24017; ExAC 0.24095; gnomAD 0.24369 and 0.24610; ESP Exome Variant Server 0.26065.
gnomAD v4.1: 427,575 of 1,613,108 alleles (27%); highest among the groups gnomAD compares: Middle Eastern, 28%; 58,800 homozygotes.

Submissions (6):

Labcorp Genetics (formerly Invitae), Labcorp
Classification: Benign for Emery-Dreifuss muscular dystrophy 5, autosomal dominant. Last evaluated: 2026-02-03. Review status: criteria provided, single submitter. Criteria: Invitae Variant Classification Sherloc (09022015). Collection method: clinical testing. Allele origin: germline.

Genome-Nilou Lab
Classification: Benign for Emery-Dreifuss muscular dystrophy 5, autosomal dominant. Last evaluated: 2021-07-15. Review status: criteria provided, single submitter. Criteria: ACMG Guidelines, 2015. Collection method: clinical testing. Allele origin: germline. Affected: no.

GeneDx
Classification: Benign. Last evaluated: 2018-07-09. Review status: criteria provided, single submitter. Criteria: GeneDx Variant Classification Process June 2021. Collection method: clinical testing. Allele origin: germline. Affected: yes.

Illumina Laboratory Services, Illumina
Classification: Benign for Emery-Dreifuss muscular dystrophy 5, autosomal dominant. Last evaluated: 2018-01-13. Review status: criteria provided, single submitter. Criteria: ICSL Variant Classification Criteria 13 December 2019. Collection method: clinical testing. Allele origin: germline.
Comment: This variant was observed in the ICSL laboratory as part of a predisposition screen in an ostensibly healthy population. It had not been previously curated by ICSL or reported in the Human Gene Mutation Database (HGMD: prior to June 1st, 2018), and was therefore a candidate for classification through an automated scoring system. Utilizing variant allele frequency, disease prevalence and penetrance estimates, and inheritance mode, an automated score was calculated to assess if this variant is too frequent to cause the disease. Based on the score and internal cut-off values, a variant classified as benign is not then subjected to further curation. The score for this variant resulted in a classification of benign for this disease.

Genetic Services Laboratory, University of Chicago
Classification: Benign for AllHighlyPenetrant. Last evaluated: 2013-08-15. Review status: criteria provided, single submitter. Criteria: ACMG Guidelines, 2007. Collection method: clinical testing. Allele origin: germline. Inheritance: Autosomal dominant inheritance.

Breakthrough Genomics
Classification: Benign. Review status: criteria provided, single submitter. Criteria: ACMG Guidelines, 2015. Collection method: not provided. Allele origin: germline. Inheritance: Autosomal dominant inheritance. Affected: yes.